The following is an entry in ClinVar:

NM_002769.5(PRSS1):c.76G>C (p.Gly26Arg)

Genes: PRSS1 (serine protease 1; plus strand), TRB (T cell receptor beta locus; plus strand). Cytogenetic location: 7q34.
Variant type: single nucleotide variant.
Coding change: c.76G>C on transcript NM_002769.5 (MANE Select); coding-DNA position 76, G replaced by C.
Protein change: p.Gly26Arg; replaces glycine 26 with arginine.
Molecular consequence: missense variant.
Genome position (GRCh38, 1-based): chr7:142,750,590, G>C. VCF-style: chr7-142750590-G-C. GRCh37 (hg19) VCF-style: chr7-142458441-G-C.
Other names: c.76G>C (NM_002769.4); short protein forms G26R.
Identifiers: ClinVar variation 1388598 (VCV001388598.10), dbSNP rs766579839, ClinGen allele CA4529670.

ClinVar aggregate classification (germline): Uncertain significance. Review status: criteria provided, multiple submitters, no conflicts (2 of 4 stars). 2 submissions from 2 submitters: Uncertain significance (2). Last evaluated 2025-12-04.

Conditions:
Hereditary pancreatitis (PCTT). Also called: Hereditary chronic pancreatitis; PRSS1-Related Hereditary Pancreatitis. Identifiers: Orphanet 676, MedGen C0238339, MONDO:0008185, OMIM 167800.

Allele frequency attached by ClinVar (database versions not stated): gnomAD exomes below 0.00001 and 0.00001; ExAC 0.00001; gnomAD 0.00001.
gnomAD v4.1: 4 of 1,613,918 alleles (0.00025%); highest among the groups gnomAD compares: East Asian, 0.0067%; no homozygotes.

Submissions (2):

Ambry Genetics
Classification: Uncertain significance for Hereditary pancreatitis. Last evaluated: 2025-12-04. Review status: criteria provided, single submitter. Criteria: Ambry Variant Classification Scheme 2023. Collection method: clinical testing. Allele origin: germline.
Comment: The p.G26R variant (also known as c.76G>C), located in coding exon 2 of the PRSS1 gene, results from a G to C substitution at nucleotide position 76. The glycine at codon 26 is replaced by arginine, an amino acid with dissimilar properties. This amino acid position is conserved. In addition, this alteration is predicted to be deleterious by in silico analysis. Since supporting evidence is limited at this time, the clinical significance of this alteration remains unclear.

Labcorp Genetics (formerly Invitae), Labcorp
Classification: Uncertain significance for Hereditary pancreatitis. Last evaluated: 2022-02-24. Review status: criteria provided, single submitter. Criteria: Invitae Variant Classification Sherloc (09022015). Collection method: clinical testing. Allele origin: germline.
Comment: In summary, the available evidence is currently insufficient to determine the role of this variant in disease. Therefore, it has been classified as a Variant of Uncertain Significance. Algorithms developed to predict the effect of missense changes on protein structure and function (SIFT, PolyPhen-2, Align-GVGD) all suggest that this variant is likely to be disruptive. This variant has not been reported in the literature in individuals affected with PRSS1-related conditions. The frequency data for this variant in the population databases is considered unreliable, as metrics indicate poor data quality at this position in the gnomAD database. This sequence change replaces glycine, which is neutral and non-polar, with arginine, which is basic and polar, at codon 26 of the PRSS1 protein (p.Gly26Arg).